The following is an entry in ClinVar:

NC_000009.11:g.(?_2635433)_(2651974_?)del

Gene: VLDLR (very low density lipoprotein receptor; plus strand). Cytogenetic location: 9p24.2.
Variant type: Deletion.
Identifiers: ClinVar variation 3245316 (VCV003245316.1).

ClinVar aggregate classification (germline): Pathogenic (1 of 4 stars; one submission).

Submission:

Labcorp Genetics (formerly Invitae), Labcorp
Classification: Pathogenic. Last evaluated: 2023-10-13. Review status: criteria provided, single submitter. Criteria: Invitae Variant Classification Sherloc (09022015). Collection method: clinical testing. Allele origin: unknown.
Comment: This variant is a gross deletion of the genomic region encompassing exon(s) 2-17 of the VLDLR gene. This variant would be expected to be in-frame, preserving the integrity of the reading frame. This variant has not been reported in the literature in individuals affected with VLDLR-related conditions. This variant disrupts a region of the VLDLR protein in which other variant(s) (p.Cys706Phe) have been determined to be pathogenic (PMID: 22973972, 25173816, 34374989). This suggests that this is a clinically significant region of the protein, and that variants that disrupt it are likely to be disease-causing. For these reasons, this variant has been classified as Pathogenic.

Literature cited by the submitters: PubMed 22973972; PubMed 25173816; PubMed 34374989.